The following is an entry in ClinVar:

ClinVar aggregate classification (germline): Uncertain significance (1 of 4 stars; one submission).

Conditions:
Kleefstra syndrome 1 (KLEFS1). Identifiers: Orphanet 261494, MedGen C0795833, MONDO:0027407, OMIM 610253.

gnomAD v4.1: 1 of 1,613,172 alleles (0.000062%); highest among the groups gnomAD compares: South Asian, 0.0011%; no homozygotes.

Submission:

Labcorp Genetics (formerly Invitae), Labcorp
Classification: Uncertain significance for Kleefstra syndrome 1. Last evaluated: 2019-01-11. Review status: criteria provided, single submitter. Criteria: Invitae Variant Classification Sherloc (09022015). Collection method: clinical testing. Allele origin: germline.
Comment: Algorithms developed to predict the effect of missense changes on protein structure and function output the following: SIFT: "Tolerated"; PolyPhen-2: "Benign"; Align-GVGD: "Class C0". The asparagine amino acid residue is found in multiple mammalian species, suggesting that this missense change does not adversely affect protein function. These predictions have not been confirmed by published functional studies and their clinical significance is uncertain. This variant has not been reported in the literature in individuals with EHMT1-related conditions. This variant is not present in population databases (ExAC no frequency). This sequence change replaces serine with asparagine at codon 992 of the EHMT1 protein (p.Ser992Asn). The serine residue is moderately conserved and there is a small physicochemical difference between serine and asparagine. In summary, the available evidence is currently insufficient to determine the role of this variant in disease. Therefore, it has been classified as a Variant of Uncertain Significance.

NM_024757.5(EHMT1):c.2975G>A (p.Ser992Asn)

Gene: EHMT1 (euchromatic histone lysine methyltransferase 1; plus strand). Cytogenetic location: 9q34.3.
Variant type: single nucleotide variant.
Coding change: c.2975G>A on transcript NM_024757.5 (MANE Select); coding-DNA position 2975, G replaced by A.
Protein change: p.Ser992Asn; replaces serine 992 with asparagine.
Molecular consequence: missense variant.
Genome position (GRCh38, 1-based): chr9:137,813,113, G>A. VCF-style: chr9-137813113-G-A. GRCh37 (hg19) VCF-style: chr9-140707565-G-A.
Other names: c.2954G>A, p.Ser985Asn (NM_001354263.2); short protein forms S985N, S992N.
Identifiers: ClinVar variation 863114 (VCV000863114.10), dbSNP rs1954625628, ClinGen allele CA375793589.